The following is an entry in ClinVar:

NM_000059.4(BRCA2):c.8487+1G>A

Gene: BRCA2 (BRCA2 DNA repair associated; plus strand). Cytogenetic location: 13q13.1.
Variant type: single nucleotide variant.
Coding change: c.8487+1G>A on transcript NM_000059.4 (MANE Select); the canonical splice donor site of the intron after coding-DNA position 8487, G replaced by A.
Molecular consequence: splice donor variant.
Genome position (GRCh38, 1-based): chr13:32,370,558, G>A. VCF-style: chr13-32370558-G-A. GRCh37 (hg19) VCF-style: chr13-32944695-G-A.
Other names: IVS19+1G>A; c.2070+1G>A (NM_001406722.1); c.8487+1G>A (NM_001406720.1); c.8391+1G>A (NM_001406719.1); c.3555+1G>A (NM_001406721.1).
Identifiers: ClinVar variation 52602 (VCV000052602.40), dbSNP rs81002798, ClinGen allele CA025670.

ClinVar aggregate classification (germline): Pathogenic. Review status: reviewed by expert panel (3 of 4 stars). 18 submissions from 18 submitters: Pathogenic (1). 17 of the submissions do not count toward it. Last evaluated 2015-08-10.

Conditions:
Hereditary breast ovarian cancer syndrome. Also called: Hereditary breast and ovarian cancer syndrome; Hereditary breast and ovarian cancer; Hereditary breast and ovarian cancer syndrome (HBOC); Breast and ovarian cancer; Hereditary breast and/or ovarian cancer syndrome; BRCA1- and BRCA2-Associated Hereditary Breast and Ovarian Cancer. Identifiers: Orphanet 145, MedGen C0677776, MeSH D061325, MONDO:0003582. Disease mechanism: loss of function.
Familial cancer of breast. Also called: BREAST CANCER, FAMILIAL; Hereditary breast cancer; hereditary breast carcinoma. Identifiers: Orphanet 227535, MedGen C0346153, MONDO:0016419, OMIM 114480. Disease mechanism: loss of function.
Hereditary cancer-predisposing syndrome. Also called: Neoplastic Syndromes, Hereditary; Tumor predisposition; Hereditary neoplastic syndrome; Hereditary Cancer Syndrome. Identifiers: Orphanet 140162, MedGen C0027672, MeSH D009386, MONDO:0015356.
Breast-ovarian cancer, familial, susceptibility to, 2 (BROVCA2). Also called: BRCA2 Hereditary Breast and Ovarian Cancer. Identifiers: Orphanet 145, MedGen C2675520, MONDO:0012933, OMIM 612555. Disease mechanism: loss of function.

Allele frequency attached by ClinVar (database versions not stated): TOPMed below 0.00001.
gnomAD v4.1: 1 of 1,609,642 alleles (0.000062%); highest among the groups gnomAD compares: Non-Finnish European, 0.000085%; no homozygotes.

Submissions 1 to 7 of 18:

Evidence-based Network for the Interpretation of Germline Mutant Alleles (ENIGMA)
Classification: Pathogenic for Breast-ovarian cancer, familial 2. Last evaluated: 2015-08-10. Review status: reviewed by expert panel. Criteria: ENIGMA BRCA1/2 Classification Criteria (2015). Collection method: curation. Allele origin: germline.
Comment: IARC class based on posterior probability from multifactorial likelihood analysis, thresholds for class as per Plon et al. 2008 (PMID: 18951446). Class 5 based on posterior probability = 1

Labcorp Genetics (formerly Invitae), Labcorp
Classification: Pathogenic for Hereditary breast ovarian cancer syndrome. Last evaluated: 2026-01-11. Review status: criteria provided, single submitter. Criteria: Invitae Variant Classification Sherloc (09022015). Collection method: clinical testing. Allele origin: germline. Not counted in ClinVar's aggregate classification.
Comment: This sequence change affects a donor splice site in intron 19 of the BRCA2 gene. RNA analysis indicates that disruption of this splice site induces altered splicing and likely results in a shortened protein product. This variant is not present in population databases (gnomAD no frequency). Disruption of this splice site has been observed in individual(s) with breast cancer and/or ovarian cancer (PMID: 12606139, 16619214, 17591842, 24156927). This variant is also known as IVS19+1G>A. ClinVar contains an entry for this variant (Variation ID: 52602). Based on a multifactorial likelihood algorithm using genetic, in silico, and/or statistical data, this variant has been determined to have a high probability of being pathogenic (PMID: 17924331, 21990134, 25085752). Studies have shown that disruption of this splice site results in skipping of exon 19, but is expected to preserve the integrity of the reading-frame (PMID: 12606139, 16619214, 22632462; internal data). This variant disrupts a region of the BRCA2 protein in which other variant(s) (p.Gly2793Arg) have been determined to be pathogenic (PMID: 12442275, 15889636, 16030099, 23108138, 23233716, 25085752, 25777348). This suggests that this is a clinically significant region of the protein, and that variants that disrupt it are likely to be disease-causing. For these reasons, this variant has been classified as Pathogenic.

Women's Health and Genetics/Laboratory Corporation of America, LabCorp
Classification: Pathogenic for Hereditary breast ovarian cancer syndrome. Last evaluated: 2025-10-13. Review status: criteria provided, single submitter. Criteria: LabCorp Variant Classification Summary - May 2015. Collection method: clinical testing. Allele origin: germline. Not counted in ClinVar's aggregate classification.
Comment: Variant summary: BRCA2 c.8487+1G>A is located in a canonical splice-site and is predicted to affect mRNA splicing resulting in a significantly altered protein due to either exon skipping, shortening, or inclusion of intronic material. Variants that disrupt the consensus splice site are a relatively common cause of aberrant splicing and loss of BRCA2 function. Several computational tools predict a significant impact on normal splicing: Four predict the variant abolishes a 5 splicing donor site. At least one publication reports experimental evidence that this variant affects mRNA splicing. The variant was absent in 251280 control chromosomes. c.8487+1G>A has been observed in multiple individuals affected with Hereditary Breast And Ovarian Cancer Syndrome (Agata_2003, Chen_2006, Veschi_2007, Marroni_2004, Tea_2014, Lang_2017, Tedaldi_2017). These data indicate that the variant is very likely to be associated with disease. Two publications report experimental evidence evaluating an impact on splicing and show that this variant results in skipping of the entire exon 19 (Agata_2003, Chen_2006). The following publications have been ascertained in the context of this evaluation (PMID: 12606139, 24728327, 16619214, 28294317, 15340362, 24156927, 28423363, 17591842). ClinVar contains an entry for this variant (Variation ID: 52602). Based on the evidence outlined above, the variant was classified as pathogenic.

Ambry Genetics
Classification: Pathogenic for Hereditary cancer-predisposing syndrome. Last evaluated: 2024-06-26. Review status: criteria provided, single submitter. Criteria: Ambry Variant Classification Scheme 2023. Collection method: clinical testing. Allele origin: germline. Not counted in ClinVar's aggregate classification.
Comment: The c.8487+1G>A intronic pathogenic mutation results from a G to A substitution one nucleotide after coding exon 18 of the BRCA2 gene. This mutation has been reported in multiple individuals with personal and/or family histories consistent with hereditary breast and ovarian cancer (HBOC) syndrome (Agata S et al. Cancer Genet. Cytogenet. 2003 Mar;141:175-6; Chen X et al. Hum. Mutat. 2006 May;27:427-35; Susswein LR et al. Genet. Med. 2016 Aug;18:823-32). Multiple splicing assays have shown that this alteration leads to complete skipping of coding exon 18, resulting in a predicted in-frame deletion of 52 amino acid residues in a functionally important region of the BRCA2 protein (Ambry internal data; Mesman RLS et al. Genet Med 2020 08;22(8):1355-1365; Chen X et al. Hum. Mutat. 2006 May;27:427-35; Acedo A et al. Breast Cancer Res. 2012 May 25;14:R87; Agata S et al. Cancer Genet. Cytogenet. 2003 Mar;141:175-6). In addition to the clinical data presented in the literature, alterations that disrupt the canonical splice site are expected to cause aberrant splicing, resulting in an abnormal protein or a transcript that is subject to nonsense-mediated mRNA decay. As such, this alteration is classified as a disease-causing mutation.

Baylor Genetics
Classification: Pathogenic for Familial cancer of breast. Last evaluated: 2023-09-21. Review status: criteria provided, single submitter. Criteria: ACMG Guidelines, 2015. Collection method: clinical testing. Allele origin: unknown. Not counted in ClinVar's aggregate classification.

GeneDx
Classification: Pathogenic. Last evaluated: 2022-02-08. Review status: criteria provided, single submitter. Criteria: GeneDx Variant Classification Process June 2021. Collection method: clinical testing. Allele origin: germline. Affected: yes. Not counted in ClinVar's aggregate classification.
Comment: Canonical splice site variant demonstrated to result in an in-frame deletion of the critical DSS1 contacting residues of the DNA binding domain (Yang 2002, Agata 2003, Chen 2006, Acedo 2012); Observed in multiple individuals with a personal and/or family history of breast and/or ovarian cancer (Agata 2003, Chen 2006, Veschi 2007, Tea 2014, Lang 2017); Multifactorial studies suggest this variant is associated with breast and ovarian cancer (Lindor 2012); Truncating variants in this gene are considered pathogenic by a well-established clinical consortium and/or database; Not observed in large population cohorts (gnomAD); Also known as 8715+1G>A; This variant is associated with the following publications: (PMID: 17591842, 26681312, 24728327, 21990134, 12606139, 22632462, 17924331, 16619214, 27060066, 24156927, 25085752, 29446198, 29061375, 31209999, 25525159, 32398771, 30787465, 31825140, 30702160, 28294317, 12228710)

Color Diagnostics, LLC DBA Color Health
Classification: Pathogenic for Hereditary cancer-predisposing syndrome. Last evaluated: 2021-11-22. Review status: criteria provided, single submitter. Criteria: ACMG Guidelines, 2015. Collection method: clinical testing. Allele origin: germline. Not counted in ClinVar's aggregate classification.
Comment: This variant causes a G to A nucleotide substitution at the +1 position of intron 19 of the BRCA2 gene. It is also known as IVS19+1G>A in the literature. Functional RNA studies have shown that this variant results in the skipping of exon 19, causing an in-frame deletion of 52 amino acids within the essential DNA binding domain of BRCA2 protein (PMID: 12606139, 16619214, 22632462). This variant has been reported in individuals affected with breast and/or ovarian cancer (PMID: 16619214, 24156927, 28423363; Color internal data). Multifactorial likelihood analyses based on genetic data using personal/family history, co-segregation, and co-occurrence predict that this variant has a high probability of being deleterious (PMID: 17924331, 21990134, 25085752). This variant has not been identified in the general population by the Genome Aggregation Database (gnomAD). Loss of BRCA2 function is a known mechanism of disease. Based on the available evidence, this variant is classified as Pathogenic.